The following is an entry in ClinVar:

NM_000359.3(TGM1):c.1042C>T (p.Arg348Ter)

Gene: TGM1 (transglutaminase 1; minus strand). Cytogenetic location: 14q12.
Variant type: single nucleotide variant.
Coding change: c.1042C>T on transcript NM_000359.3 (MANE Select); coding-DNA position 1042, C replaced by T.
Protein change: p.Arg348Ter; replaces arginine 348 with a stop codon.
Molecular consequence: nonsense.
Genome position (GRCh38, 1-based): chr14:24,259,192, G>A on the plus strand (C>T on the coding strand, the complement: TGM1 is on the minus strand). VCF-style: chr14-24259192-G-A. GRCh37 (hg19) VCF-style: chr14-24728398-G-A.
Other names: short protein forms R348*.
Identifiers: ClinVar variation 556205 (VCV000556205.46), dbSNP rs1296165092, ClinGen allele CA389265004.

ClinVar aggregate classification (germline): Pathogenic. Review status: criteria provided, multiple submitters, no conflicts (2 of 4 stars). 6 submissions from 6 submitters: Pathogenic (5). 1 of the submissions does not count toward it. Last evaluated 2026-01-17.

Conditions:
Autosomal recessive congenital ichthyosis 1 (LI1). Also called: COLLODION FETUS; DESQUAMATION OF NEWBORN; ICHTHYOSIS CONGENITA; ICHTHYOSIS CONGENITA II; LAMELLAR EXFOLIATION OF NEWBORN; ICHTHYOSIS, CONGENITAL, AUTOSOMAL RECESSIVE 1, WITH OR WITHOUT BATHING SUIT DISTRIBUTION. Identifiers: MedGen C4551630, MONDO:0009441, OMIM 242300.
Lamellar ichthyosis. Identifiers: Orphanet 313, MedGen C5848247, MONDO:0017778.

Allele frequency attached by ClinVar (database versions not stated): gnomAD exomes below 0.00001 and 0.00001; gnomAD 0.00001; TOPMed 0.00001.
gnomAD v4.1: 16 of 1,613,920 alleles (0.00099%); highest among the groups gnomAD compares: East Asian, 0.0045%; no homozygotes.

Submissions (6):

Labcorp Genetics (formerly Invitae), Labcorp
Classification: Pathogenic. Last evaluated: 2026-01-17. Review status: criteria provided, single submitter. Criteria: Invitae Variant Classification Sherloc (09022015). Collection method: clinical testing. Allele origin: germline.
Comment: This sequence change creates a premature translational stop signal (p.Arg348*) in the TGM1 gene. It is expected to result in an absent or disrupted protein product. Loss-of-function variants in TGM1 are known to be pathogenic (PMID: 18948357, 19241467). This variant is present in population databases (no rsID available, gnomAD 0.0008%). This premature translational stop signal has been observed in individual(s) with congenital ichthyosis (PMID: 12535215). ClinVar contains an entry for this variant (Variation ID: 556205). For these reasons, this variant has been classified as Pathogenic.

GeneDx
Classification: Pathogenic. Last evaluated: 2025-06-02. Review status: criteria provided, single submitter. Criteria: GeneDx Variant Classification Process June 2021. Collection method: clinical testing. Allele origin: germline. Affected: yes.
Comment: Observed with another TGM1 variant on the opposite allele (in trans) in a patient with lamellar ichthyosis from the published literature (PMID: 12535215); Nonsense variant predicted to result in protein truncation or nonsense mediated decay in a gene for which loss of function is a known mechanism of disease; Not observed at significant frequency in large population cohorts (gnomAD); This variant is associated with the following publications: (PMID: 25525159, 12535215, 34983512, 36964972)

Women's Health and Genetics/Laboratory Corporation of America, LabCorp
Classification: Pathogenic for Lamellar ichthyosis. Last evaluated: 2023-09-08. Review status: criteria provided, single submitter. Criteria: LabCorp Variant Classification Summary - May 2015. Collection method: clinical testing. Allele origin: germline.
Comment: Variant summary: TGM1 c.1042C>T (p.Arg348X) results in a premature termination codon, predicted to cause a truncation of the encoded protein or absence of the protein due to nonsense mediated decay, which are commonly known mechanisms for disease. The variant allele was found at a frequency of 4e-06 in 250840 control chromosomes (gnomAD). The available data on variant occurrences in the general population are insufficient to allow any conclusion about variant significance. c.1042C>T has been reported in the literature in individuals affected with Lamellar Ichthyosis (e.g., Youssefian_2019). These data indicate that the variant is very likely to be associated with disease. The following publication was ascertained in the context of this evaluation (PMID: 30578701). Four submitters have reported clinical-significance assessments for this variant to ClinVar after 2014. All submitters classified the variant as pathogenic. Based on the evidence outlined above, the variant was classified as pathogenic.

CeGaT Center for Human Genetics Tuebingen
Classification: Pathogenic. Last evaluated: 2022-07-01. Review status: criteria provided, single submitter. Criteria: CeGaT Center For Human Genetics Tuebingen Variant Classification Criteria Version 2. Collection method: clinical testing. Allele origin: germline. Affected: yes. Observed: 2 variant alleles.
Comment: TGM1: PVS1, PM2, PM3

Genome-Nilou Lab
Classification: Pathogenic for Autosomal recessive congenital ichthyosis 1. Review status: criteria provided, single submitter. Criteria: ACMG Guidelines, 2015. Collection method: clinical testing. Allele origin: germline.

Counsyl
Classification: Pathogenic for Autosomal recessive congenital ichthyosis 1. Last evaluated: 2018-01-18. Review status: no assertion criteria provided. Collection method: clinical testing. Allele origin: unknown. Not counted in ClinVar's aggregate classification.

Literature cited by the submitters: PubMed 18948357 (cited by Labcorp Genetics (formerly Invitae), Labcorp); PubMed 19241467 (cited by Labcorp Genetics (formerly Invitae), Labcorp); PubMed 12535215 (cited by Labcorp Genetics (formerly Invitae), Labcorp and Counsyl); PubMed 30578701 (cited by Women's Health and Genetics/Laboratory Corporation of America, LabCorp); PubMed 23278109 (cited by Counsyl); PubMed 25525159 (cited by Counsyl); PubMed 25154629 (cited by Counsyl).